The following is an entry in ClinVar:

NM_153603.4(COG7):c.1948T>C (p.Ser650Pro)

Gene: COG7 (component of oligomeric golgi complex 7; minus strand). Cytogenetic location: 16p12.2.
Variant type: single nucleotide variant.
Coding change: c.1948T>C on transcript NM_153603.4 (MANE Select); coding-DNA position 1948, T replaced by C.
Protein change: p.Ser650Pro; replaces serine 650 with proline.
Molecular consequence: missense variant.
Genome position (GRCh38, 1-based): chr16:23,393,287, A>G on the plus strand (T>C on the coding strand, the complement: COG7 is on the minus strand). VCF-style: chr16-23393287-A-G. GRCh37 (hg19) VCF-style: chr16-23404608-A-G.
Other names: c.1948T>C (NM_153603.3); short protein forms S650P.
Identifiers: ClinVar variation 1509523 (VCV001509523.5), dbSNP rs761925269, ClinGen allele CA7960828.

ClinVar aggregate classification (germline): Uncertain significance. Review status: criteria provided, multiple submitters, no conflicts (2 of 4 stars). 2 submissions from 2 submitters: Uncertain significance (2). Last evaluated 2023-12-31.

Conditions:
Inborn genetic diseases. Identifiers: MedGen C0950123, MeSH D030342.
COG7 congenital disorder of glycosylation (CDG2E). Also called: CDG IIe; CONGENITAL DISORDER OF GLYCOSYLATION, TYPE IIe. Identifiers: Orphanet 79333, MedGen C2931010, MONDO:0012118, OMIM 608779.

Allele frequency attached by ClinVar (database versions not stated): TOPMed 0.00005; gnomAD 0.00006 and 0.00007; gnomAD exomes 0.00009 and 0.00010; ExAC 0.00011.
gnomAD v4.1: 155 of 1,614,094 alleles (0.0096%); highest among the groups gnomAD compares: Non-Finnish European, 0.012%; no homozygotes.

Submissions (2):

Labcorp Genetics (formerly Invitae), Labcorp
Classification: Uncertain significance for COG7 congenital disorder of glycosylation. Last evaluated: 2023-12-31. Review status: criteria provided, single submitter. Criteria: Invitae Variant Classification Sherloc (09022015). Collection method: clinical testing. Allele origin: germline.
Comment: This sequence change replaces serine, which is neutral and polar, with proline, which is neutral and non-polar, at codon 650 of the COG7 protein (p.Ser650Pro). This variant is present in population databases (rs761925269, gnomAD 0.02%). This variant has not been reported in the literature in individuals affected with COG7-related conditions. ClinVar contains an entry for this variant (Variation ID: 1509523). Advanced modeling of protein sequence and biophysical properties (such as structural, functional, and spatial information, amino acid conservation, physicochemical variation, residue mobility, and thermodynamic stability) performed at Invitae indicates that this missense variant is not expected to disrupt COG7 protein function with a negative predictive value of 80%. In summary, the available evidence is currently insufficient to determine the role of this variant in disease. Therefore, it has been classified as a Variant of Uncertain Significance.

Ambry Genetics
Classification: Uncertain significance for Inborn genetic diseases. Last evaluated: 2021-06-29. Review status: criteria provided, single submitter. Criteria: Ambry Variant Classification Scheme 2023. Collection method: clinical testing. Allele origin: germline.